The following is an entry in ClinVar:

ClinVar aggregate classification (germline): Uncertain significance. Review status: criteria provided, multiple submitters, no conflicts (2 of 4 stars). 2 submissions from 2 submitters: Uncertain significance (2). Last evaluated 2023-11-18.

Conditions:
Hyperaldosteronism, familial, type IV (HALD4). Also called: FH IV; ALDOSTERONISM, PRIMARY, AND HYPERTENSION. Identifiers: Orphanet 642671, MedGen C4310756, MONDO:0014875, OMIM 617027.
Idiopathic generalized epilepsy. Also called: Generalised epilepsy; EIG. Identifiers: MedGen C0270850, MONDO:0005579, OMIM 600669.

Allele frequency attached by ClinVar (database versions not stated): gnomAD below 0.00001 and 0.00001; ExAC 0.00001; gnomAD exomes 0.00003.
gnomAD v4.1: 28 of 1,605,384 alleles (0.0017%); highest among the groups gnomAD compares: South Asian, 0.027%; 1 homozygote.

Submissions (2):

Labcorp Genetics (formerly Invitae), Labcorp
Classification: Uncertain significance for Idiopathic generalized epilepsy; Hyperaldosteronism, familial, type IV. Last evaluated: 2023-11-18. Review status: criteria provided, single submitter. Criteria: Invitae Variant Classification Sherloc (09022015). Collection method: clinical testing. Allele origin: germline.
Comment: This sequence change replaces serine, which is neutral and polar, with cysteine, which is neutral and slightly polar, at codon 1792 of the CACNA1H protein (p.Ser1792Cys). This variant is present in population databases (rs773893318, gnomAD 0.02%). This variant has not been reported in the literature in individuals affected with CACNA1H-related conditions. ClinVar contains an entry for this variant (Variation ID: 1028716). Advanced modeling of protein sequence and biophysical properties (such as structural, functional, and spatial information, amino acid conservation, physicochemical variation, residue mobility, and thermodynamic stability) performed at Invitae indicates that this missense variant is not expected to disrupt CACNA1H protein function with a negative predictive value of 80%. In summary, the available evidence is currently insufficient to determine the role of this variant in disease. Therefore, it has been classified as a Variant of Uncertain Significance.

Baylor Genetics
Classification: Uncertain significance for Hyperaldosteronism, familial, type IV. Last evaluated: 2019-08-20. Review status: criteria provided, single submitter. Criteria: ACMG Guidelines, 2015. Collection method: clinical testing. Allele origin: unknown. Affected: yes.
Comment: This variant was determined to be of uncertain significance according to ACMG Guidelines, 2015 [PMID:25741868].

NM_021098.3(CACNA1H):c.5374A>T (p.Ser1792Cys)

Gene: CACNA1H (calcium voltage-gated channel subunit alpha1 H; plus strand). Cytogenetic location: 16p13.3.
Variant type: single nucleotide variant.
Coding change: c.5374A>T on transcript NM_021098.3 (MANE Select); coding-DNA position 5374, A replaced by T.
Protein change: p.Ser1792Cys; replaces serine 1792 with cysteine.
Molecular consequence: missense variant.
Genome position (GRCh38, 1-based): chr16:1,217,969, A>T. VCF-style: chr16-1217969-A-T. GRCh37 (hg19) VCF-style: chr16-1267969-A-T.
Other names: c.5356A>T, p.Ser1786Cys (NM_001005407.2); short protein forms S1786C, S1792C.
Identifiers: ClinVar variation 1028716 (VCV001028716.4), dbSNP rs773893318, ClinGen allele CA7801985.
Genomic context (GRCh38, chr16:1,217,969, plus strand): 5'-CTCCCCGCAGAGTGCAGTGAAGACAACCCCTGCGAGGGCCTGAGCAGGCACGCCACCTTC[A>T]GCAACTTCGGCATGGCCTTCCTCACGCTGTTCCGCGTGTCCACGGGGGACAACTGGAACG-3'
Protein context (NP_066921.2, residues 1782-1802): CEGLSRHATF[Ser1792Cys]NFGMAFLTLF